The following is an entry in ClinVar:

ClinVar aggregate classification (germline): Uncertain significance (1 of 4 stars; one submission).

Submission:

Labcorp Genetics (formerly Invitae), Labcorp
Classification: Uncertain significance. Last evaluated: 2023-11-08. Review status: criteria provided, single submitter. Criteria: Invitae Variant Classification Sherloc (09022015). Collection method: clinical testing. Allele origin: germline.
Comment: This sequence change creates a premature translational stop signal (p.Glu149Serfs*12) in the RGS9BP gene. While this is not anticipated to result in nonsense mediated decay, it is expected to disrupt the last 87 amino acid(s) of the RGS9BP protein. This variant is not present in population databases (gnomAD no frequency). This variant has not been reported in the literature in individuals affected with RGS9BP-related conditions. Experimental studies and prediction algorithms are not available or were not evaluated, and the functional significance of this variant is currently unknown. In summary, the available evidence is currently insufficient to determine the role of this variant in disease. Therefore, it has been classified as a Variant of Uncertain Significance.

NM_207391.3(RGS9BP):c.445del (p.Glu149fs)

Gene: RGS9BP (regulator of G protein signaling 9 binding protein; plus strand). Cytogenetic location: 19q13.11.
Variant type: Deletion.
Coding change: c.445del on transcript NM_207391.3 (MANE Select); coding-DNA position 445, one base deleted (G; older notation c.445delG).
Protein change: p.Glu149fs; shifts the reading frame from glutamic acid 149.
Molecular consequence: frameshift variant.
Genome position (GRCh38, 1-based): chr19:32,676,708, G deleted; the last of 3 consecutive G bases (chr19:32,676,706-32,676,708); deleting any one gives the same sequence. VCF-style (leftmost placement, unchanged base first): chr19-32676705-CG-C. GRCh37 (hg19) VCF-style: chr19-33167611-CG-C.
Other names: short protein forms E149fs.
Identifiers: ClinVar variation 2836843 (VCV002836843.3), dbSNP rs1968011084, ClinGen allele CA2332366806.